The following is an entry in ClinVar:

ClinVar aggregate classification (germline): Uncertain significance. Review status: criteria provided, multiple submitters, no conflicts (2 of 4 stars). 2 submissions from 2 submitters: Uncertain significance (2). Last evaluated 2025-04-24.

Conditions:
Argininosuccinate lyase deficiency. Also called: Argininosuccinic aciduria; ARGININOSUCCINIC ACID LYASE DEFICIENCY; ASL DEFICIENCY. Identifiers: Orphanet 23, MedGen C0268547, MONDO:0008815, OMIM 207900, HP:0025630.
ASL-related disorder. Also called: ASL-related condition.

Submissions (2):

PreventionGenetics, part of Exact Sciences
Classification: Uncertain significance for ASL-related condition. Last evaluated: 2025-04-24. Review status: criteria provided, single submitter. Criteria: ACMG Guidelines, 2015. Collection method: clinical testing. Allele origin: germline.
Comment: The ASL c.745T>C variant is predicted to result in the amino acid substitution p.Cys249Arg. To our knowledge, this variant has not been reported in the literature or in a large population database (gnomAD), indicating this variant is rare. At this time, the clinical significance of this variant is uncertain due to the absence of conclusive functional and genetic evidence.

Labcorp Genetics (formerly Invitae), Labcorp
Classification: Uncertain significance for Argininosuccinate lyase deficiency. Last evaluated: 2024-10-12. Review status: criteria provided, single submitter. Criteria: Invitae Variant Classification Sherloc (09022015). Collection method: clinical testing. Allele origin: germline.
Comment: This sequence change replaces cysteine, which is neutral and slightly polar, with arginine, which is basic and polar, at codon 249 of the ASL protein (p.Cys249Arg). This variant is not present in population databases (gnomAD no frequency). This variant has not been reported in the literature in individuals affected with ASL-related conditions. Invitae Evidence Modeling of protein sequence and biophysical properties (such as structural, functional, and spatial information, amino acid conservation, physicochemical variation, residue mobility, and thermodynamic stability) has been performed for this missense variant. However, the output from this modeling did not meet the statistical confidence thresholds required to predict the impact of this variant on ASL protein function. In summary, the available evidence is currently insufficient to determine the role of this variant in disease. Therefore, it has been classified as a Variant of Uncertain Significance.

NM_000048.4(ASL):c.745T>C (p.Cys249Arg)

Gene: ASL (argininosuccinate lyase; plus strand). Cytogenetic location: 7q11.21.
Variant type: single nucleotide variant.
Coding change: c.745T>C on transcript NM_000048.4 (MANE Select); coding-DNA position 745, T replaced by C.
Protein change: p.Cys249Arg; replaces cysteine 249 with arginine.
Molecular consequence: missense variant.
Genome position (GRCh38, 1-based): chr7:66,088,833, T>C. VCF-style: chr7-66088833-T-C. GRCh37 (hg19) VCF-style: chr7-65553820-T-C.
Other names: c.745T>C, p.Cys249Arg (NM_001024943.2, NM_001024944.2); c.667T>C, p.Cys223Arg (NM_001024946.2); c.745T>C (NM_000048.3); short protein forms C223R, C249R.
Identifiers: ClinVar variation 3636723 (VCV003636723.3).